The following is an entry in ClinVar:

NM_001388447.1(PABIR3):c.189+6701G>A

Gene: PABIR3 (PABIR family member 3; plus strand). Cytogenetic location: Xq26.3.
Variant type: single nucleotide variant.
Coding change: c.189+6701G>A on transcript NM_001388447.1 (MANE Select); 6701 bases into the intron after coding-DNA position 189, G replaced by A.
Molecular consequence: intron variant. On other transcripts: 3 prime UTR variant (6), missense variant (1).
Genome position (GRCh38, 1-based): chrX:134,821,550, G>A. VCF-style: chrX-134821550-G-A. GRCh37 (hg19) VCF-style: chrX-133955580-G-A.
Other names: c.*173G>A (NM_001170780.3, NM_001170783.2, NM_001170784.2 and 3 more transcripts); c.271G>A, p.Gly91Arg (NM_001170782.2); c.297+6701G>A (NM_001388446.1, NM_001365744.3); c.189+6701G>A (NM_001388449.1, NM_001365748.2, NM_001388448.1 and 5 more transcripts); short protein forms G91R.
Identifiers: ClinVar variation 2661481 (VCV002661481.24), dbSNP rs768085823, ClinGen allele CA10522002.

ClinVar aggregate classification (germline): Likely benign (1 of 4 stars; one submission).

Allele frequency attached by ClinVar (database versions not stated): TOPMed 0.00005; gnomAD exomes 0.00006; ExAC 0.00007; gnomAD 0.00007; 1000 Genomes Project 0.00079; 1000 Genomes Project 30x 0.00125.
gnomAD v4.1: 70 of 1,148,255 alleles (0.0061%); highest among the groups gnomAD compares: East Asian, 0.22%; no homozygotes.

Submission:

CeGaT Center for Human Genetics Tuebingen
Classification: Likely benign. Last evaluated: 2022-12-01. Review status: criteria provided, single submitter. Criteria: CeGaT Center For Human Genetics Tuebingen Variant Classification Criteria Version 2. Collection method: clinical testing. Allele origin: germline. Affected: yes. Observed: 1 variant allele.
Comment: PABIR3: BS2